The following is an entry in ClinVar:

NM_002354.3(EPCAM):c.89A>G (p.Glu30Gly)

Gene: EPCAM (epithelial cell adhesion molecule; plus strand). Cytogenetic location: 2p21.
Variant type: single nucleotide variant.
Coding change: c.89A>G on transcript NM_002354.3 (MANE Select); coding-DNA position 89, A replaced by G.
Protein change: p.Glu30Gly; replaces glutamic acid 30 with glycine.
Molecular consequence: missense variant.
Genome position (GRCh38, 1-based): chr2:47,373,475, A>G. VCF-style: chr2-47373475-A-G. GRCh37 (hg19) VCF-style: chr2-47600614-A-G.
Other names: short protein forms E30G.
Identifiers: ClinVar variation 3222148 (VCV003222148.1), dbSNP rs778932754, ClinGen allele CA1648873.

ClinVar aggregate classification (germline): Uncertain significance (1 of 4 stars; one submission).

Conditions:
Hereditary cancer-predisposing syndrome. Also called: Tumor predisposition; Hereditary neoplastic syndrome; Hereditary Cancer Syndrome; Neoplastic Syndromes, Hereditary. Identifiers: Orphanet 140162, MedGen C0027672, MeSH D009386, MONDO:0015356.

Allele frequency attached by ClinVar (database versions not stated): gnomAD exomes below 0.00001; ExAC 0.00001.
gnomAD v4.1: 1 of 1,611,188 alleles (0.000062%); highest among the groups gnomAD compares: Non-Finnish European, 0.000085%; no homozygotes.

Submission:

Ambry Genetics
Classification: Uncertain significance for Hereditary cancer-predisposing syndrome. Last evaluated: 2023-11-28. Review status: criteria provided, single submitter. Criteria: Ambry Variant Classification Scheme 2023. Collection method: clinical testing. Allele origin: germline.
Comment: The p.E30G variant (also known as c.89A>G), located in coding exon 2 of the EPCAM gene, results from an A to G substitution at nucleotide position 89. The glutamic acid at codon 30 is replaced by glycine, an amino acid with similar properties. This amino acid position is conserved. In addition, this alteration is predicted to be tolerated by in silico analysis. Since supporting evidence is limited at this time, the clinical significance of this alteration remains unclear.